The following is an entry in ClinVar:

ClinVar aggregate classification (germline): Uncertain significance (1 of 4 stars; one submission).

Allele frequency attached by ClinVar (database versions not stated): gnomAD exomes below 0.00001; gnomAD 0.00003; TOPMed 0.00003; ESP Exome Variant Server 0.00008.
gnomAD v4.1: 7 of 1,613,908 alleles (0.00043%); highest among the groups gnomAD compares: African/African-American, 0.0093%; no homozygotes.

Submission:

Labcorp Genetics (formerly Invitae), Labcorp
Classification: Uncertain significance. Last evaluated: 2025-12-31. Review status: criteria provided, single submitter. Criteria: Invitae Variant Classification Sherloc (09022015). Collection method: clinical testing. Allele origin: germline.
Comment: This sequence change replaces glycine, which is neutral and non-polar, with alanine, which is neutral and non-polar, at codon 363 of the TNNI3K protein (p.Gly363Ala). This variant is present in population databases (rs141275539, gnomAD 0.01%). This variant has not been reported in the literature in individuals affected with TNNI3K-related conditions. ClinVar contains an entry for this variant (Variation ID: 1487800). Invitae Evidence Modeling of protein sequence and biophysical properties (such as structural, functional, and spatial information, amino acid conservation, physicochemical variation, residue mobility, and thermodynamic stability) indicates that this missense variant is not expected to disrupt TNNI3K protein function with a negative predictive value of 80%. In summary, the available evidence is currently insufficient to determine the role of this variant in disease. Therefore, it has been classified as a Variant of Uncertain Significance.

NM_015978.3(TNNI3K):c.1088G>C (p.Gly363Ala)

Genes: FPGT-TNNI3K (FPGT-TNNI3K readthrough; plus strand), TNNI3K (TNNI3 interacting kinase; plus strand). Cytogenetic location: 1p31.1.
Variant type: single nucleotide variant.
Coding change: c.1088G>C on transcript NM_015978.3 (MANE Select); coding-DNA position 1088, G replaced by C.
Protein change: p.Gly363Ala; replaces glycine 363 with alanine.
Molecular consequence: missense variant.
Genome position (GRCh38, 1-based): chr1:74,354,040, G>C. VCF-style: chr1-74354040-G-C. GRCh37 (hg19) VCF-style: chr1-74819724-G-C.
Other names: c.1391G>C, p.Gly464Ala (NM_001112808.3, NM_001199327.2); short protein forms G363A, G464A.
Identifiers: ClinVar variation 1487800 (VCV001487800.6), dbSNP rs141275539, ClinGen allele CA909148.